The following is an entry in ClinVar:

NM_021930.6(RINT1):c.299C>G (p.Pro100Arg)

Gene: RINT1 (RAD50 interactor 1; plus strand). Cytogenetic location: 7q22.3.
Variant type: single nucleotide variant.
Coding change: c.299C>G on transcript NM_021930.6 (MANE Select); coding-DNA position 299, C replaced by G.
Protein change: p.Pro100Arg; replaces proline 100 with arginine.
Molecular consequence: missense variant. On other transcripts: 5 prime UTR variant (3), non-coding transcript variant (1).
Genome position (GRCh38, 1-based): chr7:105,542,433, C>G. VCF-style: chr7-105542433-C-G. GRCh37 (hg19) VCF-style: chr7-105182880-C-G.
Other names: c.65C>G, p.Pro22Arg (NM_001346599.2); c.-721C>G (NM_001346600.2); c.-624C>G (NM_001346601.2); c.-244C>G (NM_001346603.2); short protein forms P100R, P22R.
Identifiers: ClinVar variation 840403 (VCV000840403.9), dbSNP rs1790496649, ClinGen allele CA368802861.

ClinVar aggregate classification (germline): Uncertain significance (1 of 4 stars; one submission).

Submission:

Labcorp Genetics (formerly Invitae), Labcorp
Classification: Uncertain significance. Last evaluated: 2019-03-30. Review status: criteria provided, single submitter. Criteria: Invitae Variant Classification Sherloc (09022015). Collection method: clinical testing. Allele origin: germline.
Comment: This variant has not been reported in the literature in individuals with RINT1-related conditions. In summary, the available evidence is currently insufficient to determine the role of this variant in disease. Therefore, it has been classified as a Variant of Uncertain Significance. Algorithms developed to predict the effect of missense changes on protein structure and function are either unavailable or do not agree on the potential impact of this missense change (SIFT: "Deleterious"; PolyPhen-2: "Probably Damaging"; Align-GVGD: "Class C0"). This variant is not present in population databases (ExAC no frequency). This sequence change replaces proline with arginine at codon 100 of the RINT1 protein (p.Pro100Arg). The proline residue is highly conserved and there is a moderate physicochemical difference between proline and arginine.